The following is an entry in ClinVar:

NM_000260.4(MYO7A):c.613A>G (p.Ile205Val)

Gene: MYO7A (myosin VIIA; plus strand). Cytogenetic location: 11q13.5.
Variant type: single nucleotide variant.
Coding change: c.613A>G on transcript NM_000260.4 (MANE Select); coding-DNA position 613, A replaced by G.
Protein change: p.Ile205Val; replaces isoleucine 205 with valine.
Molecular consequence: missense variant.
Genome position (GRCh38, 1-based): chr11:77,156,882, A>G. VCF-style: chr11-77156882-A-G. GRCh37 (hg19) VCF-style: chr11-76867928-A-G.
Other names: c.613A>G, p.Ile205Val (NM_001127180.2); c.580A>G, p.Ile194Val (NM_001369365.1); short protein forms I194V, I205V.
Identifiers: ClinVar variation 844494 (VCV000844494.9), dbSNP rs781946292, ClinGen allele CA6197201.

ClinVar aggregate classification (germline): Uncertain significance. Review status: criteria provided, multiple submitters, no conflicts (2 of 4 stars). 2 submissions from 2 submitters: Uncertain significance (2). Last evaluated 2025-12-18.

Allele frequency attached by ClinVar (database versions not stated): gnomAD exomes 0.00001 and below 0.00001; TOPMed 0.00004; ExAC 0.00001.
gnomAD v4.1: 5 of 1,613,994 alleles (0.00031%); highest among the groups gnomAD compares: Admixed American, 0.0033%; no homozygotes.

Submissions (2):

GeneDx
Classification: Uncertain significance. Last evaluated: 2025-12-18. Review status: criteria provided, single submitter. Criteria: GeneDx Variant Classification Process June 2021. Collection method: clinical testing. Allele origin: germline. Affected: yes.
Comment: Observed in the heterozygous state in a patient with Usher syndrome in published literature (PMID: 9382091); In silico analysis supports that this missense variant does not alter protein structure/function; This variant is associated with the following publications: (PMID: 9382091)

Labcorp Genetics (formerly Invitae), Labcorp
Classification: Uncertain significance. Last evaluated: 2022-07-06. Review status: criteria provided, single submitter. Criteria: Invitae Variant Classification Sherloc (09022015). Collection method: clinical testing. Allele origin: germline.
Comment: This sequence change replaces isoleucine, which is neutral and non-polar, with valine, which is neutral and non-polar, at codon 205 of the MYO7A protein (p.Ile205Val). This variant is present in population databases (rs781946292, gnomAD 0.003%). This missense change has been observed in individual(s) with clinical features of Usher syndrome (PMID: 9382091). ClinVar contains an entry for this variant (Variation ID: 844494). Advanced modeling of protein sequence and biophysical properties (such as structural, functional, and spatial information, amino acid conservation, physicochemical variation, residue mobility, and thermodynamic stability) performed at Invitae indicates that this missense variant is not expected to disrupt MYO7A protein function. In summary, the available evidence is currently insufficient to determine the role of this variant in disease. Therefore, it has been classified as a Variant of Uncertain Significance.

Literature cited by the submitters: PubMed 9382091 (cited by Labcorp Genetics (formerly Invitae), Labcorp).